The following is an entry in ClinVar:

NM_001287.6(CLCN7):c.85C>G (p.Arg29Gly)

Genes: CLCN7 (chloride voltage-gated channel 7; minus strand), LOC130058166 (ATAC-STARR-seq lymphoblastoid silent region 6986; plus strand). Cytogenetic location: 16p13.3.
Variant type: single nucleotide variant.
Coding change: c.85C>G on transcript NM_001287.6 (MANE Select); coding-DNA position 85, C replaced by G.
Protein change: p.Arg29Gly; replaces arginine 29 with glycine.
Molecular consequence: missense variant.
Genome position (GRCh38, 1-based): chr16:1,474,890, G>C on the plus strand (C>G on the coding strand, the complement: CLCN7 is on the minus strand). VCF-style: chr16-1474890-G-C. GRCh37 (hg19) VCF-style: chr16-1524891-G-C.
Other names: c.85C>G, p.Arg29Gly (NM_001114331.3); short protein forms R29G.
Identifiers: ClinVar variation 1496510 (VCV001496510.8), dbSNP rs995151548, ClinGen allele CA394194079.

ClinVar aggregate classification (germline): Uncertain significance (1 of 4 stars; one submission).

Submission:

Labcorp Genetics (formerly Invitae), Labcorp
Classification: Uncertain significance. Last evaluated: 2022-07-19. Review status: criteria provided, single submitter. Criteria: Invitae Variant Classification Sherloc (09022015). Collection method: clinical testing. Allele origin: germline.
Comment: ClinVar contains an entry for this variant (Variation ID: 1496510). This variant has not been reported in the literature in individuals affected with CLCN7-related conditions. This variant is not present in population databases (gnomAD no frequency). This sequence change replaces arginine, which is basic and polar, with glycine, which is neutral and non-polar, at codon 29 of the CLCN7 protein (p.Arg29Gly). In summary, the available evidence is currently insufficient to determine the role of this variant in disease. Therefore, it has been classified as a Variant of Uncertain Significance. Algorithms developed to predict the effect of missense changes on protein structure and function (SIFT, PolyPhen-2, Align-GVGD) all suggest that this variant is likely to be tolerated.